The following is an entry in ClinVar:

ClinVar aggregate classification (germline): Likely benign (1 of 4 stars; one submission).

Allele frequency attached by ClinVar (database versions not stated): gnomAD 0.00001; gnomAD exomes 0.00001; ExAC 0.00004; 1000 Genomes Project 0.00020; 1000 Genomes Project 30x 0.00031.
gnomAD v4.1: 2 of 1,523,066 alleles (0.00013%); highest among the groups gnomAD compares: Admixed American, 0.0019%; no homozygotes.

Submission:

GeneDx
Classification: Likely benign. Last evaluated: 2016-12-16. Review status: criteria provided, single submitter. Criteria: GeneDx Variant Classification (06012015). Collection method: clinical testing. Allele origin: germline. Affected: yes.
Comment: This variant is considered likely benign or benign based on one or more of the following criteria: it is a conservative change, it occurs at a poorly conserved position in the protein, it is predicted to be benign by multiple in silico algorithms, and/or has population frequency not consistent with disease.

NM_000303.3(PMM2):c.348-8A>G

Gene: PMM2 (phosphomannomutase 2; plus strand). Cytogenetic location: 16p13.2.
Variant type: single nucleotide variant.
Coding change: c.348-8A>G on transcript NM_000303.3 (MANE Select); 8 bases into the intron before coding-DNA position 348, A replaced by G.
Molecular consequence: intron variant.
Genome position (GRCh38, 1-based): chr16:8,811,071, A>G. VCF-style: chr16-8811071-A-G. GRCh37 (hg19) VCF-style: chr16-8904928-A-G.
Identifiers: ClinVar variation 391436 (VCV000391436.1), dbSNP rs186061775, ClinGen allele CA7894034.